The following is an entry in ClinVar:

NM_003482.4(KMT2D):c.5129C>T (p.Thr1710Met)

Gene: KMT2D (lysine methyltransferase 2D; minus strand). Cytogenetic location: 12q13.12.
Variant type: single nucleotide variant.
Coding change: c.5129C>T on transcript NM_003482.4 (MANE Select); coding-DNA position 5129, C replaced by T.
Protein change: p.Thr1710Met; replaces threonine 1710 with methionine.
Molecular consequence: missense variant.
Genome position (GRCh38, 1-based): chr12:49,044,259, G>A on the plus strand (C>T on the coding strand, the complement: KMT2D is on the minus strand). VCF-style: chr12-49044259-G-A. GRCh37 (hg19) VCF-style: chr12-49438042-G-A.
Other names: c.5129C>T (NM_003482.3); short protein forms T1710M.
Identifiers: ClinVar variation 134676 (VCV000134676.10), dbSNP rs587778457, ClinGen allele CA160517.

ClinVar aggregate classification (germline): Conflicting classifications of pathogenicity. Review status: criteria provided, conflicting classifications (1 of 4 stars). 3 submissions from 3 submitters: Uncertain significance (1); Likely benign (1). 1 of the submissions does not count toward it. Last evaluated 2025-11-19.

Conditions:
KMT2D-related disorder. Also called: KMT2D-Related Disorders.
Kabuki syndrome. Also called: NIIKAWA-KUROKI SYNDROME; Kabuki make-up syndrome. Identifiers: Orphanet 2322, MedGen C0796004, MONDO:0016512.

Allele frequency attached by ClinVar (database versions not stated): gnomAD exomes 0.00002 and 0.00004; ExAC 0.00005; TOPMed 0.00012; gnomAD 0.00013 and 0.00014.
gnomAD v4.1: 52 of 1,612,866 alleles (0.0032%); highest among the groups gnomAD compares: African/African-American, 0.044%; no homozygotes.

Submissions (3):

Labcorp Genetics (formerly Invitae), Labcorp
Classification: Likely benign for Kabuki syndrome. Last evaluated: 2025-11-19. Review status: criteria provided, single submitter. Criteria: Invitae Variant Classification Sherloc (09022015). Collection method: clinical testing. Allele origin: germline.

PreventionGenetics, part of Exact Sciences
Classification: Uncertain significance for KMT2D-related condition. Last evaluated: 2025-11-10. Review status: criteria provided, single submitter. Criteria: ACMG Guidelines, 2015. Collection method: clinical testing. Allele origin: germline.
Comment: The KMT2D c.5129C>T variant is predicted to result in the amino acid substitution p.Thr1710Met. This variant was reported in an individual with heterotaxy syndrome (Liang et al. 2020. PubMed ID: 32738303). This variant is reported in 0.046% of alleles in individuals of African descent in gnomAD. Although we suspect that this variant may be benign, the clinical significance of this variant is uncertain at this time due to the absence of conclusive functional and genetic evidence.

ITMI
No classification provided. Condition: AllHighlyPenetrant. Last evaluated: 2013-09-19. Review status: no classification provided. Collection method: reference population. Allele origin: germline. Not counted in ClinVar's aggregate classification.
Comment: Please see associated publication for description of ethnicities

Literature cited by the submitters: PubMed 24728327 (cited by ITMI).